The following is an entry in ClinVar:

ClinVar aggregate classification (germline): Uncertain significance (1 of 4 stars; one submission).

Allele frequency attached by ClinVar (database versions not stated): gnomAD exomes below 0.00001.
gnomAD v4.1: 1 of 1,614,108 alleles (0.000062%); highest among the groups gnomAD compares: Middle Eastern, 0.017%; no homozygotes.

Submission:

Labcorp Genetics (formerly Invitae), Labcorp
Classification: Uncertain significance. Last evaluated: 2022-10-17. Review status: criteria provided, single submitter. Criteria: Invitae Variant Classification Sherloc (09022015). Collection method: clinical testing. Allele origin: germline.
Comment: In summary, the available evidence is currently insufficient to determine the role of this variant in disease. Therefore, it has been classified as a Variant of Uncertain Significance. Advanced modeling of protein sequence and biophysical properties (such as structural, functional, and spatial information, amino acid conservation, physicochemical variation, residue mobility, and thermodynamic stability) performed at Invitae indicates that this missense variant is expected to disrupt ANK3 protein function. This sequence change replaces aspartic acid, which is acidic and polar, with asparagine, which is neutral and polar, at codon 362 of the ANK3 protein (p.Asp362Asn). This variant has not been reported in the literature in individuals affected with ANK3-related conditions. This variant is not present in population databases (gnomAD no frequency).

NM_020987.5(ANK3):c.1084G>A (p.Asp362Asn)

Gene: ANK3 (ankyrin 3; minus strand). Cytogenetic location: 10q21.2.
Variant type: single nucleotide variant.
Coding change: c.1084G>A on transcript NM_020987.5 (MANE Select); coding-DNA position 1084, G replaced by A.
Protein change: p.Asp362Asn; replaces aspartic acid 362 with asparagine.
Molecular consequence: missense variant.
Genome position (GRCh38, 1-based): chr10:60,208,146, C>T on the plus strand (G>A on the coding strand, the complement: ANK3 is on the minus strand). VCF-style: chr10-60208146-C-T. GRCh37 (hg19) VCF-style: chr10-61967904-C-T.
Other names: c.1066G>A, p.Asp356Asn (NM_001204403.2); c.1033G>A, p.Asp345Asn (NM_001204404.2); c.1084G>A, p.Asp362Asn (NM_001320874.2); short protein forms D345N, D356N, D362N.
Identifiers: ClinVar variation 1999672 (VCV001999672.4), dbSNP rs2493427685, ClinGen allele CA376984177.